The following is an entry in ClinVar:

ClinVar aggregate classification (germline): Uncertain significance. Review status: criteria provided, multiple submitters, no conflicts (2 of 4 stars). 2 submissions from 2 submitters: Uncertain significance (2). Last evaluated 2024-04-29.

Conditions:
Bloom syndrome (BLM). Also called: Bloom-Torre-Machacek syndrome. Identifiers: Orphanet 125, MedGen C0005859, MONDO:0008876, OMIM 210900.
Hereditary cancer-predisposing syndrome. Also called: Hereditary neoplastic syndrome; Neoplastic Syndromes, Hereditary; Tumor predisposition; Hereditary Cancer Syndrome. Identifiers: Orphanet 140162, MedGen C0027672, MeSH D009386, MONDO:0015356.

Submissions (2):

Labcorp Genetics (formerly Invitae), Labcorp
Classification: Uncertain significance for Bloom syndrome. Last evaluated: 2024-04-29. Review status: criteria provided, single submitter. Criteria: Invitae Variant Classification Sherloc (09022015). Collection method: clinical testing. Allele origin: germline.
Comment: This sequence change replaces cysteine, which is neutral and slightly polar, with glycine, which is neutral and non-polar, at codon 1030 of the BLM protein (p.Cys1030Gly). This variant is not present in population databases (gnomAD no frequency). This variant has not been reported in the literature in individuals affected with BLM-related conditions. ClinVar contains an entry for this variant (Variation ID: 939786). Advanced modeling of protein sequence and biophysical properties (such as structural, functional, and spatial information, amino acid conservation, physicochemical variation, residue mobility, and thermodynamic stability) performed at Invitae indicates that this missense variant is expected to disrupt BLM protein function with a positive predictive value of 80%. In summary, the available evidence is currently insufficient to determine the role of this variant in disease. Therefore, it has been classified as a Variant of Uncertain Significance.

Ambry Genetics
Classification: Uncertain significance for Hereditary cancer-predisposing syndrome. Last evaluated: 2023-12-14. Review status: criteria provided, single submitter. Criteria: Ambry Variant Classification Scheme 2023. Collection method: clinical testing. Allele origin: germline.
Comment: The p.C1030G variant (also known as c.3088T>G), located in coding exon 15 of the BLM gene, results from a T to G substitution at nucleotide position 3088. The cysteine at codon 1030 is replaced by glycine, an amino acid with highly dissimilar properties. This amino acid position is conserved. In addition, this alteration is predicted to be deleterious by in silico analysis. Since supporting evidence is limited at this time, the clinical significance of this alteration remains unclear.

NM_000057.4(BLM):c.3088T>G (p.Cys1030Gly)

Gene: BLM (BLM RecQ like helicase; plus strand). Cytogenetic location: 15q26.1.
Variant type: single nucleotide variant.
Coding change: c.3088T>G on transcript NM_000057.4 (MANE Select); coding-DNA position 3088, T replaced by G.
Protein change: p.Cys1030Gly; replaces cysteine 1030 with glycine.
Molecular consequence: missense variant.
Genome position (GRCh38, 1-based): chr15:90,794,235, T>G. VCF-style: chr15-90794235-T-G. GRCh37 (hg19) VCF-style: chr15-91337465-T-G.
Other names: c.3088T>G, p.Cys1030Gly (NM_001287246.2, NM_001287247.2); c.1963T>G, p.Cys655Gly (NM_001287248.2); c.3088T>G (NM_000057.2); short protein forms C1030G, C655G.
Identifiers: ClinVar variation 939786 (VCV000939786.9), dbSNP rs1896974604, ClinGen allele CA393846805.